The following is an entry in ClinVar:

NM_001042492.3(NF1):c.755TGG[1] (p.Val253del)

Gene: NF1 (neurofibromin 1; plus strand). Cytogenetic location: 17q11.2.
Variant type: Microsatellite.
Coding change: c.755TGG[1] on transcript NM_001042492.3 (MANE Select); one copy of the 3-base unit TGG starting at c.755; the reference has two copies in a row; one copy, 3 bases deleted; also written c.758_760del.
Protein change: p.Val253del; deletes valine 253.
Molecular consequence: inframe deletion. On other transcripts: inframe indel (1).
Genome position (GRCh38, 1-based): chr17:31,182,535-31,182,537, TGG deleted; deleting any 3 consecutive bases within chr17:31,182,532-31,182,537 gives the same sequence; the position shown is the placement nearest the transcript's 3' end. VCF-style (leftmost placement, unchanged base first): chr17-31182531-TTGG-T. GRCh37 (hg19) VCF-style: chr17-29509549-TTGG-T.
Other names: c.758_760delTGG (NM_000267.3); c.755_757TGG[1], p.Val253del (NM_000267.4); c.755TGG[1], p.Val253del (NM_001128147.3); c.758_760del (NM_001042492.3); short protein forms V253del.
Identifiers: ClinVar variation 404528 (VCV000404528.8), dbSNP rs1060500323, ClinGen allele CA16615147.

ClinVar aggregate classification (germline): Pathogenic/Likely pathogenic. Review status: criteria provided, multiple submitters, no conflicts (2 of 4 stars). 3 submissions from 3 submitters: Pathogenic (1); Likely pathogenic (2). Last evaluated 2026-04-01.
ClinVar aggregate classification (somatic clinical impact): Tier II - Potential (1 of 4 stars; one submission).

Conditions:
NF1-related disorder. Also called: NF1-related condition. Identifiers: MedGen CN379171.
Neurofibromatosis, type 1 (NF1). Also called: VON RECKLINGHAUSEN DISEASE; NEUROFIBROMATOSIS, TYPE I, SOMATIC; Peripheral type neurofibromatosis; Neurofibromatosis, type I. Identifiers: Orphanet 636, MedGen C0027831, MONDO:0018975, OMIM 162200. Disease mechanism: loss of function.
Primary brain neoplasm. Identifiers: MedGen C0750974, MONDO:0021632.

Submissions (4):

Department of Genetics, Sultan Qaboos University Hospital
Classification: Likely pathogenic for Neurofibromatosis, type 1. Last evaluated: 2026-04-01. Review status: criteria provided, single submitter. Criteria: ACMG Guidelines, 2015. Collection method: clinical testing. Allele origin: germline. Affected: yes. Observed: 1 variant allele.
Comment: PM1,PM2,PM4_Supporting,PP5_Moderate

Institute for Genomic Medicine (IGM) Clinical Laboratory, Nationwide Children's Hospital
Classification: Tier II - Potential for Primary brain neoplasm. Assertion type: diagnostic. Clinical significance: supports diagnosis. Last evaluated: 2025-10-05. Review status: criteria provided, single submitter. Criteria: AMP/ASCO/CAP Guidelines, 2017. Collection method: clinical testing. Allele origin: somatic. Affected: yes.
Comment: Variant has Tier II (potential) clinical significance as a diagnostic inclusion criterion in primary brain neoplasm, based on the following evidence: 1) Appears in one or more well-established professional guidelines (e.g., World Health Organization [WHO]; National Comprehensive Cancer Network [NCCN]) as providing diagnostic, prognostic, or therapeutic information. 2) Diagnostic significance based on multiple small studies (Evidence Level C; PMIDs: 33918520, 12058604).

Labcorp Genetics (formerly Invitae), Labcorp
Classification: Pathogenic for Neurofibromatosis, type 1. Last evaluated: 2025-09-02. Review status: criteria provided, single submitter. Criteria: Invitae Variant Classification Sherloc (09022015). Collection method: clinical testing. Allele origin: germline.
Comment: This variant, c.758_760del, results in the deletion of 1 amino acid(s) of the NF1 protein (p.Val253del), but otherwise preserves the integrity of the reading frame. This variant is not present in population databases (gnomAD no frequency). This variant has been observed in individual(s) with clinical features of neurofibromatosis type 1 (PMID: 31717729; internal data). In at least one individual the variant was observed to be de novo. For these reasons, this variant has been classified as Pathogenic.

Blueprint Genetics
Classification: Likely pathogenic for NF1-related disorders. Last evaluated: 2024-10-29. Review status: criteria provided, single submitter. Criteria: ACMG Guidelines, 2015. Collection method: clinical testing. Allele origin: germline. Affected: yes. Observed: 1 variant allele.

Literature cited by the submitters: PubMed 33918520 (cited by Institute for Genomic Medicine (IGM) Clinical Laboratory, Nationwide Children's Hospital); PubMed 12058604 (cited by Institute for Genomic Medicine (IGM) Clinical Laboratory, Nationwide Children's Hospital); PubMed 31717729 (cited by Labcorp Genetics (formerly Invitae), Labcorp).